The following is an entry in ClinVar:

NM_003601.4(SMARCA5):c.276C>T (p.Phe92=)

Gene: SMARCA5 (SNF2 related chromatin remodeling ATPase 5; plus strand). Cytogenetic location: 4q31.21.
Variant type: single nucleotide variant.
Coding change: c.276C>T on transcript NM_003601.4 (MANE Select); coding-DNA position 276, C replaced by T.
Protein change: p.Phe92=; no amino-acid change (phenylalanine 92 retained).
Molecular consequence: synonymous variant.
Genome position (GRCh38, 1-based): chr4:143,521,452, C>T. VCF-style: chr4-143521452-C-T. GRCh37 (hg19) VCF-style: chr4-144442605-C-T.
Identifiers: ClinVar variation 773457 (VCV000773457.17), dbSNP rs112834245, ClinGen allele CA3090914.

ClinVar aggregate classification (germline): Benign. Review status: criteria provided, multiple submitters, no conflicts (2 of 4 stars). 3 submissions from 3 submitters: Benign (3). Last evaluated 2026-07-01.

Allele frequency attached by ClinVar (database versions not stated): 1000 Genomes Project 30x 0.00172; 1000 Genomes Project 0.00180; TOPMed 0.00320; ESP Exome Variant Server 0.00392; gnomAD 0.00482 and 0.00492; ExAC 0.00512; gnomAD exomes 0.00545 and 0.00553.
gnomAD v4.1: 8,696 of 1,606,132 alleles (0.54%); highest among the groups gnomAD compares: Non-Finnish European, 0.57%; 35 homozygotes.

Submissions (3):

CeGaT Center for Human Genetics Tuebingen
Classification: Benign. Last evaluated: 2026-07-01. Review status: criteria provided, single submitter. Criteria: CeGaT Center For Human Genetics Tuebingen Variant Classification Criteria Version 2. Collection method: clinical testing. Allele origin: germline. Affected: yes. Observed: 6 variant alleles.
Comment: SMARCA5: BP4, BP7, BS1, BS2

Labcorp Genetics (formerly Invitae), Labcorp
Classification: Benign. Last evaluated: 2018-06-13. Review status: criteria provided, single submitter. Criteria: Invitae Variant Classification Sherloc (09022015). Collection method: clinical testing. Allele origin: germline.

Breakthrough Genomics
Classification: Benign. Review status: criteria provided, single submitter. Criteria: ACMG Guidelines, 2015. Collection method: not provided. Allele origin: germline. Inheritance: Unknown mechanism. Affected: yes.